The following is an entry in ClinVar:

ClinVar aggregate classification (germline): Uncertain significance (1 of 4 stars; one submission).

Conditions:
Spastic paraplegia. Identifiers: MedGen C0037772, HP:0001258.

Submission:

Labcorp Genetics (formerly Invitae), Labcorp
Classification: Uncertain significance for Spastic paraplegia. Last evaluated: 2022-05-12. Review status: criteria provided, single submitter. Criteria: Invitae Variant Classification Sherloc (09022015). Collection method: clinical testing. Allele origin: germline.
Comment: This variant has not been reported in the literature in individuals affected with B4GALNT1-related conditions. In summary, the available evidence is currently insufficient to determine the role of this variant in disease. Therefore, it has been classified as a Variant of Uncertain Significance. Algorithms developed to predict the effect of missense changes on protein structure and function are either unavailable or do not agree on the potential impact of this missense change (SIFT: "Tolerated"; PolyPhen-2: "Probably Damaging"; Align-GVGD: "Class C0"). This variant is not present in population databases (gnomAD no frequency). This sequence change replaces proline, which is neutral and non-polar, with serine, which is neutral and polar, at codon 331 of the B4GALNT1 protein (p.Pro331Ser).

NM_001478.5(B4GALNT1):c.991C>T (p.Pro331Ser)

Gene: B4GALNT1 (beta-1,4-N-acetyl-galactosaminyltransferase 1; minus strand). Cytogenetic location: 12q13.3.
Variant type: single nucleotide variant.
Coding change: c.991C>T on transcript NM_001478.5 (MANE Select); coding-DNA position 991, C replaced by T.
Protein change: p.Pro331Ser; replaces proline 331 with serine.
Molecular consequence: missense variant.
Genome position (GRCh38, 1-based): chr12:57,628,724, G>A on the plus strand (C>T on the coding strand, the complement: B4GALNT1 is on the minus strand). VCF-style: chr12-57628724-G-A. GRCh37 (hg19) VCF-style: chr12-58022507-G-A.
Other names: c.826C>T, p.Pro276Ser (NM_001276468.2, NM_001413978.1); c.991C>T, p.Pro331Ser (NM_001413967.1, NM_001413968.1, NM_001413969.1 and 7 more transcripts); c.892C>T, p.Pro298Ser (NM_001413977.1); c.4C>T, p.Pro2Ser (NM_001413981.1, NM_001413982.1, NM_001413983.1 and 1 more transcripts); short protein forms P276S, P298S, P331S, P2S.
Identifiers: ClinVar variation 1993333 (VCV001993333.4), dbSNP rs2540657028, ClinGen allele CA385496520.
Genomic context (GRCh38, chr12:57,628,724, plus strand): 5'-CCCCCTGCGGGAGTCCTCTGGCCTGCCGTTCAGCCTGCTAGCTGCACACCTTGCCGAAGG[G>A]CATGAGATAGTGTTCCACGTAGGGGCCACTAACGCGCTCTGGCTTGTCGCTGTCGTCAGC-3'
Protein context (NP_001469.1, residues 321-341): SGPYVEHYLM[Pro331Ser]FGKGWFAGRN